The following is an entry in ClinVar:

ClinVar aggregate classification (germline): Uncertain significance (1 of 4 stars; one submission).

Conditions:
Hypertrophic cardiomyopathy. Also called: HYPERTROPHIC MYOCARDIOPATHY. Identifiers: Orphanet 217569, MedGen C0007194, MeSH D002312, MONDO:0005045, HP:0001639.

gnomAD v4.1: 1 of 1,614,136 alleles (0.000062%); highest among the groups gnomAD compares: South Asian, 0.0011%; no homozygotes.

Submission:

All of Us Research Program, National Institutes of Health
Classification: Uncertain significance for Hypertrophic cardiomyopathy. Last evaluated: 2024-04-16. Review status: criteria provided, single submitter. Criteria: ACMG Guidelines, 2015. Collection method: clinical testing. Allele origin: germline. Inheritance: Autosomal dominant inheritance. Observed: 1 variant allele, 1 heterozygote.
Comment: This missense variant replaces arginine with lysine at codon 220 of the TPM1 protein. Computational prediction tools indicate that this variant has a neutral impact on protein structure and function. To our knowledge, functional studies have not been reported for this variant. This variant has not been reported in individuals affected with TPM1-related disorders in the literature. This variant has been identified in 2/251338 chromosomes in the general population by the Genome Aggregation Database (gnomAD). The available evidence is insufficient to determine the role of this variant in disease conclusively. Therefore, this variant is classified as a Variant of Uncertain Significance.

This study involves interpretation of variants in research participants for the purpose of population health screening. Participant phenotype was not available at the time of variant classification. Additional details can be found in publication PMID: 35346344, PMCID: PMC8962531

NM_001018005.2(TPM1):c.659G>A (p.Arg220Lys)

Gene: TPM1 (tropomyosin 1; plus strand). Cytogenetic location: 15q22.2.
Variant type: single nucleotide variant.
Coding change: c.659G>A on transcript NM_001018005.2 (MANE Select); coding-DNA position 659, G replaced by A.
Protein change: p.Arg220Lys; replaces arginine 220 with lysine.
Molecular consequence: missense variant. On other transcripts: non-coding transcript variant (17).
Genome position (GRCh38, 1-based): chr15:63,062,234, G>A. VCF-style: chr15-63062234-G-A. GRCh37 (hg19) VCF-style: chr15-63354433-G-A.
Other names: c.659G>A, p.Arg220Lys (NM_000366.6, NM_001018004.2, NM_001018006.2 and 20 more transcripts); c.551G>A, p.Arg184Lys (NM_001018008.2, NM_001301289.2, NM_001330344.2 and 9 more transcripts); c.785G>A, p.Arg262Lys (NM_001365778.1, NM_001407322.1, NM_001407323.1 and 1 more transcripts); short protein forms R184K, R220K, R262K.
Identifiers: ClinVar variation 3386134 (VCV003386134.1).